The following is an entry in ClinVar:

NM_018975.4(TERF2IP):c.415G>A (p.Ala139Thr)

Gene: TERF2IP (TERF2 interacting protein; plus strand). Cytogenetic location: 16q23.1.
Variant type: single nucleotide variant.
Coding change: c.415G>A on transcript NM_018975.4 (MANE Select); coding-DNA position 415, G replaced by A.
Protein change: p.Ala139Thr; replaces alanine 139 with threonine.
Molecular consequence: missense variant. On other transcripts: non-coding transcript variant (1).
Genome position (GRCh38, 1-based): chr16:75,648,297, G>A. VCF-style: chr16-75648297-G-A. GRCh37 (hg19) VCF-style: chr16-75682195-G-A.
Other names: short protein forms A139T.
Identifiers: ClinVar variation 1738333 (VCV001738333.2), dbSNP rs964930518, ClinGen allele CA284334462.

ClinVar aggregate classification (germline): Uncertain significance (1 of 4 stars; one submission).

Allele frequency attached by ClinVar (database versions not stated): gnomAD exomes below 0.00001; TOPMed 0.00003; 1000 Genomes Project 30x 0.00031.
gnomAD v4.1: 5 of 1,554,088 alleles (0.00032%); highest among the groups gnomAD compares: African/African-American, 0.0068%; no homozygotes.

Submission:

Ambry Genetics
Classification: Uncertain significance. Last evaluated: 2023-12-14. Review status: criteria provided, single submitter. Criteria: Ambry Variant Classification Scheme 2023. Collection method: clinical testing. Allele origin: germline.
Comment: The p.A139T variant (also known as c.415G>A), located in coding exon 1 of the TERF2IP gene, results from a G to A substitution at nucleotide position 415. The alanine at codon 139 is replaced by threonine, an amino acid with similar properties. This amino acid position is conserved. In addition, this alteration is predicted to be tolerated by in silico analysis. Since supporting evidence is limited at this time, the clinical significance of this alteration remains unclear.